The following is an entry in ClinVar:

NM_022725.4(FANCF):c.506T>A (p.Leu169Gln)

Gene: FANCF (FA complementation group F; minus strand). Cytogenetic location: 11p14.3.
Variant type: single nucleotide variant.
Coding change: c.506T>A on transcript NM_022725.4 (MANE Select); coding-DNA position 506, T replaced by A.
Protein change: p.Leu169Gln; replaces leucine 169 with glutamine.
Molecular consequence: missense variant.
Genome position (GRCh38, 1-based): chr11:22,625,305, A>T on the plus strand (T>A on the coding strand, the complement: FANCF is on the minus strand). VCF-style: chr11-22625305-A-T. GRCh37 (hg19) VCF-style: chr11-22646851-A-T.
Other names: short protein forms L169Q.
Identifiers: ClinVar variation 2156899 (VCV002156899.4), dbSNP rs950789710, ClinGen allele CA219086640.

ClinVar aggregate classification (germline): Uncertain significance (1 of 4 stars; one submission).

Conditions:
Fanconi anemia (FA). Also called: Fanconi's anemia. Identifiers: Orphanet 84, MedGen C0015625, MeSH D005199, MONDO:0019391.

Submission:

Labcorp Genetics (formerly Invitae), Labcorp
Classification: Uncertain significance for Fanconi anemia. Last evaluated: 2022-06-29. Review status: criteria provided, single submitter. Criteria: Invitae Variant Classification Sherloc (09022015). Collection method: clinical testing. Allele origin: germline.
Comment: In summary, the available evidence is currently insufficient to determine the role of this variant in disease. Therefore, it has been classified as a Variant of Uncertain Significance. Algorithms developed to predict the effect of missense changes on protein structure and function are either unavailable or do not agree on the potential impact of this missense change (SIFT: "Deleterious"; PolyPhen-2: "Probably Damaging"; Align-GVGD: "Class C0"). This variant has not been reported in the literature in individuals affected with FANCF-related conditions. This variant is not present in population databases (gnomAD no frequency). This sequence change replaces leucine, which is neutral and non-polar, with glutamine, which is neutral and polar, at codon 169 of the FANCF protein (p.Leu169Gln).